The following is an entry in ClinVar:

NM_005993.5(TBCD):c.2200_2203dup (p.Ala735fs)

Gene: TBCD (tubulin folding cofactor D). Cytogenetic location: 17q25.3.
Variant type: Duplication.
Coding change: c.2200_2203dup on transcript NM_005993.5 (MANE Select); coding-DNA positions 2200 to 2203, 4 bases duplicated.
Protein change: p.Ala735fs; shifts the reading frame from alanine 735.
Molecular consequence: frameshift variant.
Genome position: GRCh38 VCF-style: chr17-82923669-C-CCTGG. GRCh37 (hg19) VCF-style: chr17-80881545-C-CCTGG.
Other names: c.2149_2152dup, p.Ala718fs (NM_001411101.1); c.2119_2122dup, p.Ala708fs (NM_001411102.1); short protein forms A708fs, A718fs, A735fs.
Identifiers: ClinVar variation 2974962 (VCV002974962.3), dbSNP rs2510686085, ClinGen allele CA2740093956.

ClinVar aggregate classification (germline): Pathogenic (1 of 4 stars; one submission).

Submission:

Labcorp Genetics (formerly Invitae), Labcorp
Classification: Pathogenic. Last evaluated: 2023-06-01. Review status: criteria provided, single submitter. Criteria: Invitae Variant Classification Sherloc (09022015). Collection method: clinical testing. Allele origin: germline.
Comment: For these reasons, this variant has been classified as Pathogenic. This variant has not been reported in the literature in individuals affected with TBCD-related conditions. This variant is not present in population databases (gnomAD no frequency). This sequence change creates a premature translational stop signal (p.Ala735Glyfs*6) in the TBCD gene. It is expected to result in an absent or disrupted protein product. Loss-of-function variants in TBCD are known to be pathogenic (PMID: 27666370, 27666374).

Literature cited by the submitters: PubMed 27666370; PubMed 27666374.